The following is an entry in ClinVar:

NM_002439.5(MSH3):c.2990T>A (p.Phe997Tyr)

Gene: MSH3 (mutS homolog 3; plus strand). Cytogenetic location: 5q14.1.
Variant type: single nucleotide variant.
Coding change: c.2990T>A on transcript NM_002439.5 (MANE Select); coding-DNA position 2990, T replaced by A.
Protein change: p.Phe997Tyr; replaces phenylalanine 997 with tyrosine.
Molecular consequence: missense variant.
Genome position (GRCh38, 1-based): chr5:80,854,306, T>A. VCF-style: chr5-80854306-T-A. GRCh37 (hg19) VCF-style: chr5-80150125-T-A.
Other names: short protein forms F997Y.
Identifiers: ClinVar variation 2562139 (VCV002562139.2), dbSNP rs2478772058, ClinGen allele CA360275841.

ClinVar aggregate classification (germline): Uncertain significance (1 of 4 stars; one submission).

Conditions:
Hereditary cancer-predisposing syndrome. Also called: Neoplastic Syndromes, Hereditary; Hereditary Cancer Syndrome; Hereditary neoplastic syndrome; Tumor predisposition. Identifiers: Orphanet 140162, MedGen C0027672, MeSH D009386, MONDO:0015356.

Submission:

Ambry Genetics
Classification: Uncertain significance for Hereditary cancer-predisposing syndrome. Last evaluated: 2023-03-15. Review status: criteria provided, single submitter. Criteria: Ambry Variant Classification Scheme 2023. Collection method: clinical testing. Allele origin: germline.
Comment: The p.F997Y variant (also known as c.2990T>A), located in coding exon 21 of the MSH3 gene, results from a T to A substitution at nucleotide position 2990. The phenylalanine at codon 997 is replaced by tyrosine, an amino acid with highly similar properties. This amino acid position is conserved. In addition, the in silico prediction for this alteration is inconclusive. Since supporting evidence is limited at this time, the clinical significance of this alteration remains unclear.